The following is an entry in ClinVar:

NM_014000.3(VCL):c.1022G>C (p.Arg341Thr)

Gene: VCL (vinculin; plus strand). Cytogenetic location: 10q22.2.
Variant type: single nucleotide variant.
Coding change: c.1022G>C on transcript NM_014000.3 (MANE Select); coding-DNA position 1022, G replaced by C.
Protein change: p.Arg341Thr; replaces arginine 341 with threonine.
Molecular consequence: missense variant.
Genome position (GRCh38, 1-based): chr10:74,083,513, G>C. VCF-style: chr10-74083513-G-C. GRCh37 (hg19) VCF-style: chr10-75843271-G-C.
Other names: c.1022G>C, p.Arg341Thr (NM_003373.4); short protein forms R341T.
Identifiers: ClinVar variation 3706839 (VCV003706839.2).

ClinVar aggregate classification (germline): Uncertain significance (1 of 4 stars; one submission).

Conditions:
Dilated cardiomyopathy 1W (CMD1W). Identifiers: Orphanet 154, MedGen C1969639, MONDO:0012667, OMIM 611407.

gnomAD v4.1: 1 of 1,613,686 alleles (0.000062%); highest among the groups gnomAD compares: Non-Finnish European, 0.000085%; no homozygotes.

Submission:

Labcorp Genetics (formerly Invitae), Labcorp
Classification: Uncertain significance for Dilated cardiomyopathy 1W. Last evaluated: 2024-09-29. Review status: criteria provided, single submitter. Criteria: Invitae Variant Classification Sherloc (09022015). Collection method: clinical testing. Allele origin: germline.
Comment: This sequence change replaces arginine, which is basic and polar, with threonine, which is neutral and polar, at codon 341 of the VCL protein (p.Arg341Thr). This variant also falls at the last nucleotide of exon 8, which is part of the consensus splice site for this exon. This variant is present in population databases (no rsID available, gnomAD 0.0009%). This missense change has been observed in individual(s) with dilated cardiomyopathy (PMID: 32746448). An algorithm developed to predict the effect of missense changes on protein structure and function (PolyPhen-2) suggests that this variant is likely to be disruptive. Variants that disrupt the consensus splice site are a relatively common cause of aberrant splicing (PMID: 17576681, 9536098). Algorithms developed to predict the effect of sequence changes on RNA splicing suggest that this variant may disrupt the consensus splice site. In summary, the available evidence is currently insufficient to determine the role of this variant in disease. Therefore, it has been classified as a Variant of Uncertain Significance.

Literature cited by the submitters: PubMed 32746448; PubMed 17576681; PubMed 9536098.